The following is an entry in ClinVar:

ClinVar aggregate classification (germline): Uncertain significance (1 of 4 stars; one submission).

Conditions:
Tuberous sclerosis 2 (TSC2). Identifiers: Orphanet 805, MedGen C1860707, MONDO:0013199, OMIM 613254.

Submission:

Labcorp Genetics (formerly Invitae), Labcorp
Classification: Uncertain significance for Tuberous sclerosis 2. Last evaluated: 2020-12-29. Review status: criteria provided, single submitter. Criteria: Invitae Variant Classification Sherloc (09022015). Collection method: clinical testing. Allele origin: germline.
Comment: This variant results in a copy number gain of the genomic region encompassing exon(s) 18-42 of the TSC2 gene. The 5' boundary is likely confined to intron 17. The 3' end of this event is unknown as it extends beyond the assayed region for this gene and therefore may encompass additional genes. As the precise location of this event is unknown, it may be in tandem or it may be located elsewhere in the genome. This variant has not been reported in the literature in individuals with TSC2-related conditions. In summary, the available evidence is currently insufficient to determine the role of this variant in disease. Therefore, it has been classified as a Variant of Uncertain Significance.

NC_000016.9:g.(?_2121501)_(2143097_?)dup

Genes: MIR1225 (microRNA 1225; minus strand), PKD1 (polycystin 1, transient receptor potential channel interacting; minus strand), TSC2 (TSC complex subunit 2; plus strand). Cytogenetic location: 16p13.3.
Variant type: Duplication.
Identifiers: ClinVar variation 1449380 (VCV001449380.3).